The following is an entry in ClinVar:

NM_000760.4(CSF3R):c.1772A>C (p.Glu591Ala)

Gene: CSF3R (colony stimulating factor 3 receptor; minus strand). Cytogenetic location: 1p34.3.
Variant type: single nucleotide variant.
Coding change: c.1772A>C on transcript NM_000760.4 (MANE Select); coding-DNA position 1772, A replaced by C.
Protein change: p.Glu591Ala; replaces glutamic acid 591 with alanine.
Molecular consequence: missense variant.
Genome position (GRCh38, 1-based): chr1:36,467,914, T>G on the plus strand (A>C on the coding strand, the complement: CSF3R is on the minus strand). VCF-style: chr1-36467914-T-G. GRCh37 (hg19) VCF-style: chr1-36933515-T-G.
Other names: c.1772A>C, p.Glu591Ala (NM_156039.3, NM_172313.3); short protein forms E591A.
Identifiers: ClinVar variation 2055959 (VCV002055959.4), dbSNP rs2521737300, ClinGen allele CA339417883.

ClinVar aggregate classification (germline): Uncertain significance (1 of 4 stars; one submission).

Conditions:
Autosomal recessive severe congenital neutropenia due to CSF3R deficiency. Also called: Neutropenia, severe congenital, 7, autosomal recessive. Identifiers: Orphanet 420702, MedGen C4310764, MONDO:0014865, OMIM 617014.

Submission:

Labcorp Genetics (formerly Invitae), Labcorp
Classification: Uncertain significance for Autosomal recessive severe congenital neutropenia due to CSF3R deficiency. Last evaluated: 2021-12-23. Review status: criteria provided, single submitter. Criteria: Invitae Variant Classification Sherloc (09022015). Collection method: clinical testing. Allele origin: germline.
Comment: This sequence change replaces glutamic acid, which is acidic and polar, with alanine, which is neutral and non-polar, at codon 591 of the CSF3R protein (p.Glu591Ala). This variant is not present in population databases (gnomAD no frequency). This variant has not been reported in the literature in individuals affected with CSF3R-related conditions. Algorithms developed to predict the effect of missense changes on protein structure and function output the following: SIFT: "Tolerated"; PolyPhen-2: "Benign"; Align-GVGD: "Class C0". The alanine amino acid residue is found in multiple mammalian species, which suggests that this missense change does not adversely affect protein function. In summary, the available evidence is currently insufficient to determine the role of this variant in disease. Therefore, it has been classified as a Variant of Uncertain Significance.